The following is an entry in ClinVar:

NM_006231.4(POLE):c.6674G>A (p.Arg2225His)

Gene: POLE (DNA polymerase epsilon, catalytic subunit; minus strand). Cytogenetic location: 12q24.33.
Variant type: single nucleotide variant.
Coding change: c.6674G>A on transcript NM_006231.4 (MANE Select); coding-DNA position 6674, G replaced by A.
Protein change: p.Arg2225His; replaces arginine 2225 with histidine.
Molecular consequence: missense variant.
Genome position (GRCh38, 1-based): chr12:132,624,978, C>T on the plus strand (G>A on the coding strand, the complement: POLE is on the minus strand). VCF-style: chr12-132624978-C-T. GRCh37 (hg19) VCF-style: chr12-133201564-C-T.
Other names: short protein forms R2225H.
Identifiers: ClinVar variation 240612 (VCV000240612.45), dbSNP rs538875477, ClinGen allele CA6892015.

ClinVar aggregate classification (germline): Conflicting classifications of pathogenicity. Review status: criteria provided, conflicting classifications (1 of 4 stars). 11 submissions from 11 submitters: Uncertain significance (7); Likely benign (2). 2 of the submissions do not count toward it. Last evaluated 2025-12-09.

Conditions:
Hereditary cancer. Identifiers: MedGen C1333600.
POLE-related disorder. Also called: POLE-related condition; POLE-related disorders.
Hereditary cancer-predisposing syndrome. Also called: Tumor predisposition; Hereditary Cancer Syndrome; Neoplastic Syndromes, Hereditary; Hereditary neoplastic syndrome. Identifiers: Orphanet 140162, MedGen C0027672, MeSH D009386, MONDO:0015356.
Facial dysmorphism-immunodeficiency-livedo-short stature syndrome. Also called: FILS syndrome; Facial dysmorphism, immunodeficiency, livedo, and short stature. Identifiers: Orphanet 352712, MedGen C3554576, MONDO:0014058, OMIM 615139.
Colorectal cancer, susceptibility to, 12 (CRCS12). Also called: COLORECTAL CANCER, SUSCEPTIBILITY TO, ON CHROMOSOME 12q24. Identifiers: Orphanet 220460, MedGen C3554460, MONDO:0014038, OMIM 615083.
Carcinoma of colon (CRC). Also called: Colonic carcinoma; Colon carcinoma. Identifiers: MedGen C0699790, MONDO:0002032.

Allele frequency attached by ClinVar (database versions not stated): ExAC 0.00004; gnomAD exomes 0.00006 and 0.00007; gnomAD 0.00012 and 0.00013; TOPMed 0.00013; 1000 Genomes Project 30x 0.00031; 1000 Genomes Project 0.00040.
gnomAD v4.1: 119 of 1,613,830 alleles (0.0074%); highest among the groups gnomAD compares: Admixed American, 0.02%; no homozygotes.

Submissions (11):

Dasa
Classification: Uncertain significance. Last evaluated: 2025-12-09. Review status: criteria provided, single submitter. Criteria: DASA Assertion Criteria. Collection method: clinical testing. Allele origin: germline.
Comment: NM_006231.4(POLE):c.6674G>A (p.Arg2225His) is a missense variant that results in the substitution of arginine with histidine. This variant is rare in population databases. Computational prediction algorithms are consistent with a benign effect. The currently available literature and clinical evidence are not sufficient to establish a definitive association between this variant and the reported condition. Therefore, this variant is classified as a variant of uncertain significance.

Center for Genomic Medicine, Rigshospitalet, Copenhagen University Hospital
Classification: Uncertain significance. Last evaluated: 2025-03-04. Review status: criteria provided, single submitter. Criteria: ACMG Guidelines, 2015. Collection method: clinical testing. Allele origin: germline.

Labcorp Genetics (formerly Invitae), Labcorp
Classification: Uncertain significance. Last evaluated: 2025-01-29. Review status: criteria provided, single submitter. Criteria: Invitae Variant Classification Sherloc (09022015). Collection method: clinical testing. Allele origin: germline.
Comment: This sequence change replaces arginine, which is basic and polar, with histidine, which is basic and polar, at codon 2225 of the POLE protein (p.Arg2225His). This variant is present in population databases (rs538875477, gnomAD 0.01%). This missense change has been observed in individual(s) with breast cancer or colorectal cancer (PMID: 35264596, 35534704). ClinVar contains an entry for this variant (Variation ID: 240612). Invitae Evidence Modeling of protein sequence and biophysical properties (such as structural, functional, and spatial information, amino acid conservation, physicochemical variation, residue mobility, and thermodynamic stability) indicates that this missense variant is not expected to disrupt POLE protein function with a negative predictive value of 80%. In summary, the available evidence is currently insufficient to determine the role of this variant in disease. Therefore, it has been classified as a Variant of Uncertain Significance.

Ambry Genetics
Classification: Likely benign for Hereditary cancer-predisposing syndrome. Last evaluated: 2024-12-09. Review status: criteria provided, single submitter. Criteria: Ambry Variant Classification Scheme 2023. Collection method: clinical testing. Allele origin: germline.

CeGaT Center for Human Genetics Tuebingen
Classification: Uncertain significance. Last evaluated: 2024-12-01. Review status: criteria provided, single submitter. Criteria: CeGaT Center For Human Genetics Tuebingen Variant Classification Criteria Version 2. Collection method: clinical testing. Allele origin: germline. Affected: yes. Observed: 1 variant allele.

GeneDx
Classification: Uncertain significance. Last evaluated: 2024-10-16. Review status: criteria provided, single submitter. Criteria: GeneDx Variant Classification Process June 2021. Collection method: clinical testing. Allele origin: germline. Affected: yes.
Comment: In silico analysis supports that this missense variant does not alter protein structure/function; Identified in patients with breast cancer in published literature (PMID: 35264596, 38136308, 35534704); This variant is associated with the following publications: (PMID: 29056344, 19296856, 35534704, 35264596, 38136308)

Mendelics
Classification: Likely benign for Hereditary cancer. Last evaluated: 2024-01-23. Review status: criteria provided, single submitter. Criteria: ACMG Guidelines, 2015. Collection method: clinical testing. Allele origin: unknown.

St. Jude Molecular Pathology, St. Jude Children's Research Hospital
Classification: Uncertain significance for Colorectal cancer, susceptibility to, 12. Last evaluated: 2022-10-03. Review status: criteria provided, single submitter. Criteria: St. Jude Assertion Criteria 2020. Collection method: clinical testing. Allele origin: germline.
Comment: The POLE c.6674G>A (p.Arg2225His) missense change has a maximum subpopulation frequency of 0.014% in gnomAD v2.1.1. The in silico tool REVEL predicts a benign effect on protein function, but to our knowledge this prediction has not been confirmed by functional studies. To our knowledge, this variant has not been reported in the literature in individuals with POLE-related disease. In summary, the evidence currently available is insufficient to determine the clinical significance of this variant. It has therefore been classified as of uncertain significance.

Fulgent Genetics
Classification: Uncertain significance for Colorectal cancer, susceptibility to, 12; Facial dysmorphism-immunodeficiency-livedo-short stature syndrome. Last evaluated: 2018-10-31. Review status: criteria provided, single submitter. Criteria: ACMG Guidelines, 2015. Collection method: clinical testing. Allele origin: unknown.

PreventionGenetics, part of Exact Sciences
Classification: Uncertain significance for POLE-related condition. Last evaluated: 2023-12-29. Review status: no assertion criteria provided. Collection method: clinical testing. Allele origin: germline. Not counted in ClinVar's aggregate classification.
Comment: The POLE c.6674G>A variant is predicted to result in the amino acid substitution p.Arg2225His. This variant has been reported in a mutagenesis screen (Table S2, Campbell et al. 2017. PubMed ID: 29056344). This variant is reported in 0.014% of alleles in individuals of Latino descent in gnomAD and is interpreted as uncertain significance in ClinVar. At this time, the clinical significance of this variant is uncertain due to the absence of conclusive functional and genetic evidence.

Department of Pathology and Laboratory Medicine, Sinai Health System
Classification: Uncertain significance for Carcinoma of colon. Review status: no assertion criteria provided. Collection method: clinical testing. Allele origin: unknown. Affected: yes. Study: The Canadian Open Genetics Repository (COGR). Not counted in ClinVar's aggregate classification.
Comment: The POLE p.Arg2225His variant was not identified in the literature nor was it identified in the Cosmic, or MutDB databases. The variant was identified in dbSNP (ID: rs538875477) as "With Uncertain significance allele", and in ClinVar (classified as uncertain significance by Invitae, GeneDx). The variant was identified in control databases in 19 of 276514 chromosomes at a frequency of 0.0001 (Genome Aggregation Database Feb 27, 2017). The variant was observed in the following populations: African in 2 of 23978 chromosomes (freq: 0.0001), Latino in 5 of 34404 chromosomes (freq: 0.0002), European in 11 of 126158 chromosomes (freq: 0.0001), and Finnish in 1 of 25742 chromosome (freq: 0.00004); it was not observed in the Other, Ashkenazi Jewish, East Asian, and South Asian populations. The p.Arg2225 residue is conserved in in mammals but not in more distantly related organisms and computational analyses (PolyPhen-2, SIFT, AlignGVGD, BLOSUM, MutationTaster) do not suggest a high likelihood of impact to the protein; this information is not predictive enough to rule out pathogenicity. The variant occurs outside of the splicing consensus sequence and in silico or computational prediction software programs (SpliceSiteFinder, MaxEntScan, NNSPLICE, GeneSplicer, HumanSpliceFinder) do not predict a difference in splicing. In summary, based on the above information the clinical significance of this variant cannot be determined with certainty at this time. This variant is classified as a variant of uncertain significance.

Literature cited by the submitters: PubMed 35264596 (cited by Labcorp Genetics (formerly Invitae), Labcorp); PubMed 35534704 (cited by Labcorp Genetics (formerly Invitae), Labcorp).